The following is an entry in ClinVar:

NM_000540.3(RYR1):c.13430A>G (p.Lys4477Arg)

Gene: RYR1 (ryanodine receptor 1; plus strand). Cytogenetic location: 19q13.2.
Variant type: single nucleotide variant.
Coding change: c.13430A>G on transcript NM_000540.3 (MANE Select); coding-DNA position 13430, A replaced by G.
Protein change: p.Lys4477Arg; replaces lysine 4477 with arginine.
Molecular consequence: missense variant.
Genome position (GRCh38, 1-based): chr19:38,565,764, A>G. VCF-style: chr19-38565764-A-G. GRCh37 (hg19) VCF-style: chr19-39056404-A-G.
Other names: c.13415A>G, p.Lys4472Arg (NM_001042723.2); short protein forms K4472R, K4477R.
Identifiers: ClinVar variation 3071956 (VCV003071956.1), dbSNP rs2514682675, ClinGen allele CA405675874.

ClinVar aggregate classification (germline): Uncertain significance (1 of 4 stars; one submission).

Conditions:
Malignant hyperthermia, susceptibility to, 1 (MHS1). Also called: Anesthesia related hyperthermia; Malignant hyperpyrexia; Fulminating hyperpyrexia; Pharmacogenic myopathy; RYR1-Related Malignant Hyperthermia Susceptibility; Malignant hyperthermia suceptibility 1. Identifiers: Orphanet 423, MedGen C2930980, MONDO:0007783, OMIM 145600.

Allele frequency attached by ClinVar (database versions not stated): gnomAD exomes below 0.00001.
gnomAD v4.1: 1 of 1,403,332 alleles (0.000071%); highest among the groups gnomAD compares: Non-Finnish European, 0.000092%; no homozygotes.

Submission:

All of Us Research Program, National Institutes of Health
Classification: Uncertain significance for Malignant hyperthermia, susceptibility to, 1. Last evaluated: 2023-06-26. Review status: criteria provided, single submitter. Criteria: ACMG Guidelines, 2015. Collection method: clinical testing. Allele origin: germline. Inheritance: Autosomal dominant inheritance. Observed: 1 variant allele, 1 heterozygote.
Comment: This missense variant replaces lysine with arginine at codon 4477 of the RYR1 protein. Computational prediction is inconclusive regarding the impact of this variant on protein structure and function (internally defined REVEL score threshold 0.5 < inconclusive < 0.7, PMID: 27666373). To our knowledge, functional studies have not been reported for this variant. This variant has not been reported in individuals affected with RYR1-related disorders in the literature. This variant has not been identified in the general population by the Genome Aggregation Database (gnomAD). The available evidence is insufficient to determine the role of this variant in disease conclusively. Therefore, this variant is classified as a Variant of Uncertain Significance.

This study involves interpretation of variants in research participants for the purpose of population health screening. Participant phenotype was not available at the time of variant classification. Additional details can be found in publication PMID: 35346344, PMCID: PMC8962531